The following is an entry in ClinVar:

ClinVar aggregate classification (germline): Uncertain significance (1 of 4 stars; one submission).

Conditions:
Hereditary sensory and autonomic neuropathy type 7. Also called: Neuropathy, hereditary sensory and autonomic, type VII; HSAN VII. Identifiers: Orphanet 391397, MedGen C3809882, MONDO:0014244, OMIM 615548.
Familial episodic pain syndrome with predominantly lower limb involvement. Also called: Episodic pain syndrome, familial, 3. Identifiers: Orphanet 391384, Orphanet 391392, MedGen C3809899, MONDO:0014247, OMIM 615552.

gnomAD v4.1: 1 of 1,608,036 alleles (0.000062%); highest among the groups gnomAD compares: Non-Finnish European, 0.000085%; no homozygotes.

Submission:

Labcorp Genetics (formerly Invitae), Labcorp
Classification: Uncertain significance for Familial episodic pain syndrome with predominantly lower limb involvement; Hereditary sensory and autonomic neuropathy type 7. Last evaluated: 2025-09-13. Review status: criteria provided, single submitter. Criteria: Invitae Variant Classification Sherloc (09022015). Collection method: clinical testing. Allele origin: germline.
Comment: This sequence change replaces asparagine, which is neutral and polar, with lysine, which is basic and polar, at codon 558 of the SCN11A protein (p.Asn558Lys). This variant is present in population databases (rs751479899, gnomAD 0.0009%). This variant has not been reported in the literature in individuals affected with SCN11A-related conditions. ClinVar contains an entry for this variant (Variation ID: 3755343). Invitae Evidence Modeling of protein sequence and biophysical properties (such as structural, functional, and spatial information, amino acid conservation, physicochemical variation, residue mobility, and thermodynamic stability) indicates that this missense variant is not expected to disrupt SCN11A protein function with a negative predictive value of 80%. In summary, the available evidence is currently insufficient to determine the role of this variant in disease. Therefore, it has been classified as a Variant of Uncertain Significance.

NM_001349253.2(SCN11A):c.1674C>G (p.Asn558Lys)

Gene: SCN11A (sodium voltage-gated channel alpha subunit 11; minus strand). Cytogenetic location: 3p22.2.
Variant type: single nucleotide variant.
Coding change: c.1674C>G on transcript NM_001349253.2 (MANE Select); coding-DNA position 1674, C replaced by G.
Protein change: p.Asn558Lys; replaces asparagine 558 with lysine.
Molecular consequence: missense variant.
Genome position (GRCh38, 1-based): chr3:38,904,033, G>C on the plus strand (C>G on the coding strand, the complement: SCN11A is on the minus strand). VCF-style: chr3-38904033-G-C. GRCh37 (hg19) VCF-style: chr3-38945524-G-C.
Other names: c.1674C>G, p.Asn558Lys (NM_014139.3); short protein forms N558K.
Identifiers: ClinVar variation 3755343 (VCV003755343.2).